The following is an entry in ClinVar:

ClinVar aggregate classification (germline): Uncertain significance (1 of 4 stars; one submission).

gnomAD v4.1: 4 of 1,614,094 alleles (0.00025%); highest among the groups gnomAD compares: South Asian, 0.0044%; no homozygotes.

Submission:

GeneDx
Classification: Uncertain significance. Last evaluated: 2026-02-09. Review status: criteria provided, single submitter. Criteria: GeneDx Variant Classification Process June 2021. Collection method: clinical testing. Allele origin: germline.
Comment: Not observed at significant frequency in large population cohorts (gnomAD); In silico analysis supports that this missense variant has a deleterious effect on protein structure/function; Has not been previously published as pathogenic or benign to our knowledge

NM_000258.3(MYL3):c.311T>C (p.Leu104Pro)

Gene: MYL3 (myosin light chain 3; minus strand). Cytogenetic location: 3p21.31.
Variant type: single nucleotide variant.
Coding change: c.311T>C on transcript NM_000258.3 (MANE Select); coding-DNA position 311, T replaced by C.
Protein change: p.Leu104Pro; replaces leucine 104 with proline.
Molecular consequence: missense variant.
Genome position (GRCh38, 1-based): chr3:46,859,645, A>G on the plus strand (T>C on the coding strand, the complement: MYL3 is on the minus strand). VCF-style: chr3-46859645-A-G. GRCh37 (hg19) VCF-style: chr3-46901135-A-G.
Other names: c.311T>C, p.Leu104Pro (NM_001406937.1, NM_001406938.1, NM_001406939.1); c.137T>C, p.Leu46Pro (NM_001406940.1, NM_001406941.1); short protein forms L104P, L46P.
Identifiers: ClinVar variation 4976437 (VCV004976437.1).